The following is an entry in ClinVar:

NM_000069.3(CACNA1S):c.550G>A (p.Val184Met)

Gene: CACNA1S (calcium voltage-gated channel subunit alpha1 S; minus strand). Cytogenetic location: 1q32.1.
Variant type: single nucleotide variant.
Coding change: c.550G>A on transcript NM_000069.3 (MANE Select); coding-DNA position 550, G replaced by A.
Protein change: p.Val184Met; replaces valine 184 with methionine.
Molecular consequence: missense variant.
Genome position (GRCh38, 1-based): chr1:201,091,784, C>T on the plus strand (G>A on the coding strand, the complement: CACNA1S is on the minus strand). VCF-style: chr1-201091784-C-T. GRCh37 (hg19) VCF-style: chr1-201060912-C-T.
Other names: short protein forms V184M.
Identifiers: ClinVar variation 1320866 (VCV001320866.4), dbSNP rs1662243070, ClinGen allele CA344140936.

ClinVar aggregate classification (germline): Uncertain significance. Review status: criteria provided, multiple submitters, no conflicts (2 of 4 stars). 6 submissions from 3 submitters: Uncertain significance (6). Last evaluated 2023-04-11.

Conditions:
Hypokalemic periodic paralysis, type 1. Also called: Hypokalemic Periodic Paralysis Type 1 (AD); HypoPP. Identifiers: Orphanet 681, MedGen C3714580, MONDO:0042979, OMIM 170400.
Malignant hyperthermia, susceptibility to, 5 (MHS5). Also called: CACNA1S-Related Malignant Hyperthermia Susceptibility. Identifiers: Orphanet 423, MedGen C1866077, MONDO:0011163, OMIM 601887.
Congenital myopathy 18. Also called: Myopathy, congenital, due to dihydropyridine receptor defect; DIHYDROPYRIDINE RECEPTOR CONGENITAL MYOPATHY; DHPR CONGENITAL MYOPATHY. Identifiers: MedGen C5830283, MONDO:0859514, OMIM 620246.
Thyrotoxic periodic paralysis, susceptibility to, 1 (TTPP1). Identifiers: Orphanet 79102, MedGen C2749982, MONDO:0008570, OMIM 188580.

Allele frequency attached by ClinVar (database versions not stated): TOPMed below 0.00001; gnomAD 0.00001.
gnomAD v4.1: 3 of 1,613,436 alleles (0.00019%); highest among the groups gnomAD compares: African/African-American, 0.0013%; no homozygotes.

Submissions (6):

Genome-Nilou Lab
Classification: Uncertain significance for Malignant hyperthermia, susceptibility to, 5. Last evaluated: 2023-04-11. Review status: criteria provided, single submitter. Criteria: ACMG Guidelines, 2015. Collection method: clinical testing. Allele origin: germline. Affected: no.

Genome-Nilou Lab
Classification: Uncertain significance for Thyrotoxic periodic paralysis, susceptibility to, 1. Last evaluated: 2023-04-11. Review status: criteria provided, single submitter. Criteria: ACMG Guidelines, 2015. Collection method: clinical testing. Allele origin: germline. Affected: no.

Genome-Nilou Lab
Classification: Uncertain significance for Congenital myopathy 18. Last evaluated: 2023-04-11. Review status: criteria provided, single submitter. Criteria: ACMG Guidelines, 2015. Collection method: clinical testing. Allele origin: germline. Affected: no.

Genome-Nilou Lab
Classification: Uncertain significance for Hypokalemic periodic paralysis, type 1. Last evaluated: 2023-04-11. Review status: criteria provided, single submitter. Criteria: ACMG Guidelines, 2015. Collection method: clinical testing. Allele origin: germline. Affected: no.

GeneDx
Classification: Uncertain significance. Last evaluated: 2020-04-13. Review status: criteria provided, single submitter. Criteria: GeneDx Variant Classification Process June 2021. Collection method: clinical testing. Allele origin: germline. Affected: yes.
Comment: Not observed in large population cohorts (Lek et al., 2016); In silico analysis supports that this missense variant has a deleterious effect on protein structure/function; Has not been previously published as pathogenic or benign to our knowledge

CENTOGENE GmbH and LLC - Guiding Precision Medicine
Classification: Uncertain significance for Hypokalemic periodic paralysis, type 1. Last evaluated: 2018-01-16. Review status: criteria provided, single submitter. Criteria: ACMG Guidelines, 2015. Collection method: clinical testing. Allele origin: germline. Affected: yes.